The following is an entry in ClinVar:

NM_012123.4(MTO1):c.1044G>T (p.Gly348=)

Gene: MTO1 (mitochondrial tRNA translation optimization 1; plus strand). Cytogenetic location: 6q13.
Variant type: single nucleotide variant.
Coding change: c.1044G>T on transcript NM_012123.4 (MANE Select); coding-DNA position 1044, G replaced by T.
Protein change: p.Gly348=; no amino-acid change (glycine 348 retained).
Molecular consequence: synonymous variant.
Genome position (GRCh38, 1-based): chr6:73,480,041, G>T. VCF-style: chr6-73480041-G-T. GRCh37 (hg19) VCF-style: chr6-74189764-G-T.
Other names: c.1044G>T, p.Gly348= (NM_001123226.2, NM_133645.3).
Identifiers: ClinVar variation 389731 (VCV000389731.34), dbSNP rs770890953, ClinGen allele CA3889506.

ClinVar aggregate classification (germline): Likely benign. Review status: criteria provided, multiple submitters, no conflicts (2 of 4 stars). 3 submissions from 3 submitters: Likely benign (3). Last evaluated 2025-12-22.

Conditions:
Mitochondrial hypertrophic cardiomyopathy with lactic acidosis due to MTO1 deficiency. Also called: CARDIOMYOPATHY, INFANTILE HYPERTROPHIC MITOCHONDRIAL, AND LACTIC ACIDOSIS; Combined oxidative phosphorylation deficiency 10. Identifiers: Orphanet 314637, MedGen C4749921, MONDO:0013865, OMIM 614702.

Allele frequency attached by ClinVar (database versions not stated): gnomAD 0.00001; TOPMed 0.00001.
gnomAD v4.1: 24 of 1,614,028 alleles (0.0015%); highest among the groups gnomAD compares: Non-Finnish European, 0.002%; no homozygotes.

Submissions (3):

Labcorp Genetics (formerly Invitae), Labcorp
Classification: Likely benign for Mitochondrial hypertrophic cardiomyopathy with lactic acidosis due to MTO1 deficiency. Last evaluated: 2025-12-22. Review status: criteria provided, single submitter. Criteria: Invitae Variant Classification Sherloc (09022015). Collection method: clinical testing. Allele origin: germline.

CeGaT Center for Human Genetics Tuebingen
Classification: Likely benign. Last evaluated: 2022-05-01. Review status: criteria provided, single submitter. Criteria: CeGaT Center For Human Genetics Tuebingen Variant Classification Criteria Version 2. Collection method: clinical testing. Allele origin: germline. Affected: yes. Observed: 1 variant allele.
Comment: MTO1: BP4, BP7

GeneDx
Classification: Likely benign. Last evaluated: 2016-10-18. Review status: criteria provided, single submitter. Criteria: GeneDx Variant Classification (06012015). Collection method: clinical testing. Allele origin: germline. Affected: yes.
Comment: This variant is considered likely benign or benign based on one or more of the following criteria: it is a conservative change, it occurs at a poorly conserved position in the protein, it is predicted to be benign by multiple in silico algorithms, and/or has population frequency not consistent with disease.